The following is an entry in ClinVar:

NM_002519.3(NPAT):c.2894C>T (p.Pro965Leu)

Gene: NPAT (nuclear protein, coactivator of histone transcription; minus strand). Cytogenetic location: 11q22.3.
Variant type: single nucleotide variant.
Coding change: c.2894C>T on transcript NM_002519.3 (MANE Select); coding-DNA position 2894, C replaced by T.
Protein change: p.Pro965Leu; replaces proline 965 with leucine.
Molecular consequence: missense variant.
Genome position (GRCh38, 1-based): chr11:108,169,935, G>A on the plus strand (C>T on the coding strand, the complement: NPAT is on the minus strand). VCF-style: chr11-108169935-G-A. GRCh37 (hg19) VCF-style: chr11-108040662-G-A.
Other names: c.2894C>T, p.Pro965Leu (NM_001321307.1); short protein forms P965L.
Identifiers: ClinVar variation 1797336 (VCV001797336.2), dbSNP rs2496711182, ClinGen allele CA382512005.

ClinVar aggregate classification (germline): Uncertain significance (1 of 4 stars; one submission).

Allele frequency attached by ClinVar (database versions not stated): gnomAD exomes below 0.00001.
gnomAD v4.1: 3 of 1,612,874 alleles (0.00019%); highest among the groups gnomAD compares: Non-Finnish European, 0.00025%; no homozygotes.

Submission:

Ambry Genetics
Classification: Uncertain significance. Last evaluated: 2021-10-05. Review status: criteria provided, single submitter. Criteria: Ambry Variant Classification Scheme 2023. Collection method: clinical testing. Allele origin: germline.
Comment: The p.P965L variant (also known as c.2894C>T), located in coding exon 14 of the NPAT gene, results from a C to T substitution at nucleotide position 2894. The proline at codon 965 is replaced by leucine, an amino acid with similar properties. This amino acid position is conserved. In addition, the in silico prediction for this alteration is inconclusive. Since supporting evidence is limited at this time, the clinical significance of this alteration remains unclear.